The following is an entry in ClinVar:

ClinVar aggregate classification (germline): Uncertain significance (1 of 4 stars; one submission).

Conditions:
Charcot-Marie-Tooth disease type 2. Also called: Charcot-Marie-Tooth type 2. Identifiers: Orphanet 64746, MedGen C0270914, MONDO:0018993.

Submission:

Labcorp Genetics (formerly Invitae), Labcorp
Classification: Uncertain significance for Charcot-Marie-Tooth disease type 2. Last evaluated: 2020-02-02. Review status: criteria provided, single submitter. Criteria: Invitae Variant Classification Sherloc (09022015). Collection method: clinical testing. Allele origin: germline.
Comment: Algorithms developed to predict the effect of missense changes on protein structure and function (SIFT, PolyPhen-2, Align-GVGD) all suggest that this variant is likely to be tolerated, but these predictions have not been confirmed by published functional studies and their clinical significance is uncertain. This sequence change replaces arginine with glycine at codon 343 of the AARS protein (p.Arg343Gly). The arginine residue is weakly conserved and there is a moderate physicochemical difference between arginine and glycine. This variant is not present in population databases (ExAC no frequency). This variant has not been reported in the literature in individuals with AARS-related conditions. In summary, the available evidence is currently insufficient to determine the role of this variant in disease. Therefore, it has been classified as a Variant of Uncertain Significance.

NM_001605.3(AARS1):c.1027A>G (p.Arg343Gly)

Gene: AARS1 (alanyl-tRNA synthetase 1; minus strand). Cytogenetic location: 16q22.1.
Variant type: single nucleotide variant.
Coding change: c.1027A>G on transcript NM_001605.3 (MANE Select); coding-DNA position 1027, A replaced by G.
Protein change: p.Arg343Gly; replaces arginine 343 with glycine.
Molecular consequence: missense variant.
Genome position (GRCh38, 1-based): chr16:70,268,315, T>C on the plus strand (A>G on the coding strand, the complement: AARS1 is on the minus strand). VCF-style: chr16-70268315-T-C. GRCh37 (hg19) VCF-style: chr16-70302218-T-C.
Other names: short protein forms R343G.
Identifiers: ClinVar variation 957625 (VCV000957625.9), dbSNP rs1960315228, ClinGen allele CA396564172.